The following is an entry in ClinVar:

NM_152468.5(TMC8):c.902G>C (p.Arg301Pro)

Gene: TMC8 (transmembrane channel like 8; plus strand). Cytogenetic location: 17q25.3.
Variant type: single nucleotide variant.
Coding change: c.902G>C on transcript NM_152468.5 (MANE Select); coding-DNA position 902, G replaced by C.
Protein change: p.Arg301Pro; replaces arginine 301 with proline.
Molecular consequence: missense variant.
Genome position (GRCh38, 1-based): chr17:78,134,479, G>C. VCF-style: chr17-78134479-G-C. GRCh37 (hg19) VCF-style: chr17-76130560-G-C.
Other names: short protein forms R301P.
Identifiers: ClinVar variation 1978939 (VCV001978939.1), dbSNP rs553175400, ClinGen allele CA8796655.

ClinVar aggregate classification (germline): Uncertain significance (1 of 4 stars; one submission).

Conditions:
Epidermodysplasia verruciformis. Identifiers: Orphanet 302, MedGen C0014522, MONDO:0009176.

Allele frequency attached by ClinVar (database versions not stated): 1000 Genomes Project 30x 0.00016; 1000 Genomes Project 0.00020.
gnomAD v4.1: 38 of 1,614,032 alleles (0.0024%); highest among the groups gnomAD compares: East Asian, 0.08%; no homozygotes.

Submission:

Labcorp Genetics (formerly Invitae), Labcorp
Classification: Uncertain significance for Epidermodysplasia verruciformis. Last evaluated: 2022-03-01. Review status: criteria provided, single submitter. Criteria: Invitae Variant Classification Sherloc (09022015). Collection method: clinical testing. Allele origin: germline.
Comment: This sequence change replaces arginine, which is basic and polar, with proline, which is neutral and non-polar, at codon 301 of the TMC8 protein (p.Arg301Pro). This variant is present in population databases (rs553175400, gnomAD 0.1%). This variant has not been reported in the literature in individuals affected with TMC8-related conditions. Algorithms developed to predict the effect of missense changes on protein structure and function are either unavailable or do not agree on the potential impact of this missense change (SIFT: "Deleterious"; PolyPhen-2: "Possibly Damaging"; Align-GVGD: "Class C0"). In summary, the available evidence is currently insufficient to determine the role of this variant in disease. Therefore, it has been classified as a Variant of Uncertain Significance.